The following is an entry in ClinVar:

NM_001844.5(COL2A1):c.4082A>G (p.Tyr1361Cys)

Gene: COL2A1 (collagen type II alpha 1 chain; minus strand). Cytogenetic location: 12q13.11.
Variant type: single nucleotide variant.
Coding change: c.4082A>G on transcript NM_001844.5 (MANE Select); coding-DNA position 4082, A replaced by G.
Protein change: p.Tyr1361Cys; replaces tyrosine 1361 with cysteine.
Molecular consequence: missense variant.
Genome position (GRCh38, 1-based): chr12:47,974,324, T>C on the plus strand (A>G on the coding strand, the complement: COL2A1 is on the minus strand). VCF-style: chr12-47974324-T-C. GRCh37 (hg19) VCF-style: chr12-48368107-T-C.
Other names: c.3875A>G, p.Tyr1292Cys (NM_033150.3); short protein forms Y1361C, Y1292C.
Identifiers: ClinVar variation 1929430 (VCV001929430.6), dbSNP rs1363571034, ClinGen allele CA384533987.
Genomic context (GRCh38, chr12:47,974,324, plus strand): 5'-AGCAGGCGTAGGAAGGTCATCTGGACGTTGGCAGTGTTGGGAGCCAGATTGTCATCTCCA[T>C]AGCTGAACTGTTGGGGCAGAGAGCGGCAGTGTGAGGCCTGGGAGCTGGCATTCAATGGGA-3'
Protein context (NP_001835.3, residues 1351-1371): ETINGGFHFS[Tyr1361Cys]GDDNLAPNTA

ClinVar aggregate classification (germline): Uncertain significance. Review status: criteria provided, multiple submitters, no conflicts (2 of 4 stars). 2 submissions from 2 submitters: Uncertain significance (2). Last evaluated 2025-05-14.

Allele frequency attached by ClinVar (database versions not stated): gnomAD exomes below 0.00001; TOPMed below 0.00001; gnomAD 0.00001.
gnomAD v4.1: 3 of 1,613,828 alleles (0.00019%); highest among the groups gnomAD compares: East Asian, 0.0022%; no homozygotes.

Submissions (2):

Women's Health and Genetics/Laboratory Corporation of America, LabCorp
Classification: Uncertain significance. Last evaluated: 2025-05-14. Review status: criteria provided, single submitter. Criteria: LabCorp Variant Classification Summary - May 2015. Collection method: clinical testing. Allele origin: germline.
Comment: Variant summary: COL2A1 c.4082A>G (p.Tyr1361Cys) results in a non-conservative amino acid change in the encoded protein sequence. Algorithms developed to predict the effect of missense changes on protein structure and function all suggest that this variant is likely to be disruptive. The variant allele was found at a frequency of 4e-06 in 250940 control chromosomes. The available data on variant occurrences in the general population are insufficient to allow any conclusion about variant significance. c.4082A>G has been observed in a fetus affected with Achondroplasia syndrome and was reported as de novo (Chen_2020). To our knowledge, no experimental evidence demonstrating an impact on protein function has been reported. The following publication has been ascertained in the context of this evaluation (PMID: 32502767). ClinVar contains an entry for this variant (Variation ID: 1929430). Based on the evidence outlined above, the variant was classified as uncertain significance.

Labcorp Genetics (formerly Invitae), Labcorp
Classification: Uncertain significance. Last evaluated: 2022-04-13. Review status: criteria provided, single submitter. Criteria: Invitae Variant Classification Sherloc (09022015). Collection method: clinical testing. Allele origin: germline.
Comment: In summary, the available evidence is currently insufficient to determine the role of this variant in disease. Therefore, it has been classified as a Variant of Uncertain Significance. Advanced modeling of protein sequence and biophysical properties (such as structural, functional, and spatial information, amino acid conservation, physicochemical variation, residue mobility, and thermodynamic stability) performed at Invitae indicates that this missense variant is expected to disrupt COL2A1 protein function. This missense change has been observed in individual(s) with clinical features of COL2A1-related conditions (PMID: 32502767). This variant is present in population databases (no rsID available, gnomAD 0.006%). This sequence change replaces tyrosine, which is neutral and polar, with cysteine, which is neutral and slightly polar, at codon 1361 of the COL2A1 protein (p.Tyr1361Cys).

Literature cited by the submitters: PubMed 32502767 (cited by Women's Health and Genetics/Laboratory Corporation of America, LabCorp and Labcorp Genetics (formerly Invitae), Labcorp).